The following is an entry in ClinVar:

NM_000077.5(CDKN2A):c.317T>C (p.Val106Ala)

Gene: CDKN2A (cyclin dependent kinase inhibitor 2A; minus strand). Cytogenetic location: 9p21.3.
Variant type: single nucleotide variant.
Coding change: c.317T>C on transcript NM_000077.5; coding-DNA position 317, T replaced by C.
Protein change: p.Val106Ala; replaces valine 106 with alanine.
Molecular consequence: missense variant (on NM_000077.6). On other transcripts: synonymous variant (1), 3 prime UTR variant (1).
Genome position (GRCh38, 1-based): chr9:21,971,042, A>G on the plus strand (T>C on the coding strand, the complement: CDKN2A is on the minus strand). VCF-style: chr9-21971042-A-G. GRCh37 (hg19) VCF-style: chr9-21971041-A-G.
Other names: c.317T>C, p.Val106Ala (NM_000077.6, NM_001195132.2); c.164T>C, p.Val55Ala (NM_001363763.2); c.360T>C, p.Arg120= (NM_058195.4); c.*240T>C (NM_058197.5); short protein forms V106A, V55A.
Identifiers: ClinVar variation 463497 (VCV000463497.12), dbSNP rs1554654028, ClinGen allele CA373086074.

ClinVar aggregate classification (germline): Uncertain significance. Review status: criteria provided, multiple submitters, no conflicts (2 of 4 stars). 3 submissions from 3 submitters: Uncertain significance (3). Last evaluated 2024-02-15.

Conditions:
Familial melanoma. Also called: Hereditary melanoma; Hereditary cutaneous melanoma. Identifiers: Orphanet 618, MedGen C1512419, MONDO:0018961.
Hereditary cancer-predisposing syndrome. Also called: Hereditary neoplastic syndrome; Neoplastic Syndromes, Hereditary; Hereditary Cancer Syndrome; Tumor predisposition. Identifiers: Orphanet 140162, MedGen C0027672, MeSH D009386, MONDO:0015356.

Submissions (3):

Labcorp Genetics (formerly Invitae), Labcorp
Classification: Uncertain significance for Familial melanoma. Last evaluated: 2024-02-15. Review status: criteria provided, single submitter. Criteria: Invitae Variant Classification Sherloc (09022015). Collection method: clinical testing. Allele origin: germline.
Comment: This sequence change replaces valine, which is neutral and non-polar, with alanine, which is neutral and non-polar, at codon 106 of the CDKN2A (p16INK4a) protein (p.Val106Ala). This variant is not present in population databases (gnomAD no frequency). This variant has not been reported in the literature in individuals affected with CDKN2A (p16INK4a)-related conditions. ClinVar contains an entry for this variant (Variation ID: 463497). An algorithm developed to predict the effect of missense changes on protein structure and function (PolyPhen-2) suggests that this variant¬†is likely to be tolerated. In summary, the available evidence is currently insufficient to determine the role of this variant in disease. Therefore, it has been classified as a Variant of Uncertain Significance.

Ambry Genetics
Classification: Uncertain significance for Hereditary cancer-predisposing syndrome. Last evaluated: 2022-05-06. Review status: criteria provided, single submitter. Criteria: Ambry Variant Classification Scheme 2023. Collection method: clinical testing. Allele origin: germline.
Comment: The p.V106A variant (also known as c.317T>C), located in coding exon 2 of the CDKN2A gene, results from a T to C substitution at nucleotide position 317. The valine at codon 106 is replaced by alanine, an amino acid with similar properties. This amino acid position is not well conserved in available vertebrate species. In addition, the in silico prediction for this alteration is inconclusive. Since supporting evidence is limited at this time, the clinical significance of this alteration remains unclear.

Color Diagnostics, LLC DBA Color Health
Classification: Uncertain significance for Hereditary cancer-predisposing syndrome. Last evaluated: 2020-01-07. Review status: criteria provided, single submitter. Criteria: ACMG Guidelines, 2015. Collection method: clinical testing. Allele origin: germline.
Comment: This missense variant replaces valine with alanine at codon 106 of the CDKN2A protein. Computational prediction is inconclusive regarding the impact of this variant on protein structure and function (internally defined REVEL score threshold 0.5 < inconclusive < 0.7, PMID: 27666373). Splice site prediction tools suggest that this variant may not impact RNA splicing. To our knowledge, functional studies have not been performed for this variant. This variant has not been reported in individuals affected with hereditary cancer in the literature. This variant has not been identified in the general population by the Genome Aggregation Database (gnomAD). The available evidence is insufficient to determine the role of this variant in disease conclusively. Therefore, this variant is classified as a Variant of Uncertain Significance.